The following is an entry in ClinVar:

NM_001048174.2(MUTYH):c.357C>G (p.Asn119Lys)

Gene: MUTYH (mutY DNA glycosylase; minus strand). Cytogenetic location: 1p34.1.
Variant type: single nucleotide variant.
Coding change: c.357C>G on transcript NM_001048174.2 (MANE Select); coding-DNA position 357, C replaced by G.
Protein change: p.Asn119Lys; replaces asparagine 119 with lysine.
Molecular consequence: missense variant. On other transcripts: non-coding transcript variant (6), intron variant (3).
Genome position (GRCh38, 1-based): chr1:45,333,118, G>C on the plus strand (C>G on the coding strand, the complement: MUTYH is on the minus strand). VCF-style: chr1-45333118-G-C. GRCh37 (hg19) VCF-style: chr1-45798790-G-C.
Other names: c.357C>G, p.Asn119Lys (NM_001048171.2, NM_001048173.2, NM_001293195.2 and 6 more transcripts); c.360C>G, p.Asn120Lys (NM_001048172.2, NM_001407071.1, NM_001407078.1 and 2 more transcripts); c.441C>G, p.Asn147Lys (NM_001128425.2); c.402C>G, p.Asn134Lys (NM_001293190.2); c.390C>G, p.Asn130Lys (NM_001293191.2, NM_001407077.1); c.81C>G, p.Asn27Lys (NM_001293192.2, NM_001293196.2, NM_001407091.1); c.432C>G, p.Asn144Lys (NM_001407069.1, NM_012222.3); c.399C>G, p.Asn133Lys (NM_001407073.1, NM_001407083.1, NM_001407085.1); and 3 more; short protein forms N120K, N130K, N144K, N119K, N134K, N147K, N91K, N126K.
Identifiers: ClinVar variation 4113663 (VCV004113663.1).

ClinVar aggregate classification (germline): Uncertain significance (1 of 4 stars; one submission).

Conditions:
Hereditary cancer-predisposing syndrome. Also called: Hereditary neoplastic syndrome; Neoplastic Syndromes, Hereditary; Tumor predisposition; Hereditary Cancer Syndrome. Identifiers: Orphanet 140162, MedGen C0027672, MeSH D009386, MONDO:0015356.

Submission:

Ambry Genetics
Classification: Uncertain significance for Hereditary cancer-predisposing syndrome. Last evaluated: 2025-08-27. Review status: criteria provided, single submitter. Criteria: Ambry Variant Classification Scheme 2023. Collection method: clinical testing. Allele origin: germline.
Comment: The p.N147K variant (also known as c.441C>G), located in coding exon 5 of the MUTYH gene, results from a C to G substitution at nucleotide position 441. The asparagine at codon 147 is replaced by lysine, an amino acid with similar properties. This amino acid position is conserved. In addition, this alteration is predicted to be tolerated by in silico analysis. Based on the available evidence, the clinical significance of this variant remains unclear.